The following is an entry in ClinVar:

NM_022168.4(IFIH1):c.2689A>C (p.Lys897Gln)

Gene: IFIH1 (interferon induced with helicase C domain 1; minus strand). Cytogenetic location: 2q24.2.
Variant type: single nucleotide variant.
Coding change: c.2689A>C on transcript NM_022168.4 (MANE Select); coding-DNA position 2689, A replaced by C.
Protein change: p.Lys897Gln; replaces lysine 897 with glutamine.
Molecular consequence: missense variant.
Genome position (GRCh38, 1-based): chr2:162,268,205, T>G on the plus strand (A>C on the coding strand, the complement: IFIH1 is on the minus strand). VCF-style: chr2-162268205-T-G. GRCh37 (hg19) VCF-style: chr2-163124715-T-G.
Other names: short protein forms K897Q.
Identifiers: ClinVar variation 2943083 (VCV002943083.3), dbSNP rs2468944659, ClinGen allele CA348991778.

ClinVar aggregate classification (germline): Uncertain significance (1 of 4 stars; one submission).

Conditions:
Singleton-Merten syndrome 1 (SGMRT1). Also called: Widened medullary cavities of bone, aortic calcification, abnormal dentition, and muscular weakness; Syndrome of widened medullary cavities of the metacarpals and phalanges, aortic calcification and abnormal dentition. Identifiers: Orphanet 85191, MedGen C4225427, MONDO:0024535, OMIM 182250.
Aicardi-Goutieres syndrome 7 (AGS7). Identifiers: Orphanet 51, MedGen C3888244, MONDO:0014367, OMIM 615846.

Submission:

Labcorp Genetics (formerly Invitae), Labcorp
Classification: Uncertain significance for Aicardi-Goutieres syndrome 7; Singleton-Merten syndrome 1. Last evaluated: 2023-01-10. Review status: criteria provided, single submitter. Criteria: Invitae Variant Classification Sherloc (09022015). Collection method: clinical testing. Allele origin: germline.
Comment: This sequence change replaces lysine, which is basic and polar, with glutamine, which is neutral and polar, at codon 897 of the IFIH1 protein (p.Lys897Gln). In summary, the available evidence is currently insufficient to determine the role of this variant in disease. Therefore, it has been classified as a Variant of Uncertain Significance. Algorithms developed to predict the effect of missense changes on protein structure and function (SIFT, PolyPhen-2, Align-GVGD) all suggest that this variant is likely to be tolerated. This variant has not been reported in the literature in individuals affected with IFIH1-related conditions. This variant is not present in population databases (gnomAD no frequency).